The following is an entry in ClinVar:

ClinVar aggregate classification (germline): Uncertain significance (1 of 4 stars; one submission).

Conditions:
Spastic paraplegia. Identifiers: MedGen C0037772, HP:0001258.

Allele frequency attached by ClinVar (database versions not stated): gnomAD exomes 0.00001 and 0.00002.
gnomAD v4.1: 19 of 1,447,186 alleles (0.0013%); highest among the groups gnomAD compares: Non-Finnish European, 0.0017%; no homozygotes.

Submission:

Labcorp Genetics (formerly Invitae), Labcorp
Classification: Uncertain significance for Spastic paraplegia. Last evaluated: 2019-11-12. Review status: criteria provided, single submitter. Criteria: Invitae Variant Classification Sherloc (09022015). Collection method: clinical testing. Allele origin: germline.
Comment: In summary, the available evidence is currently insufficient to determine the role of this variant in disease. Therefore, it has been classified as a Variant of Uncertain Significance. Algorithms developed to predict the effect of missense changes on protein structure and function output the following: SIFT: "Tolerated"; PolyPhen-2: "Benign"; Align-GVGD: "Class C0". The proline amino acid residue is found in multiple mammalian species, suggesting that this missense change does not adversely affect protein function. These predictions have not been confirmed by published functional studies and their clinical significance is uncertain. This variant has not been reported in the literature in individuals with B4GALNT1-related conditions. The frequency data for this variant in the population databases is considered unreliable, as metrics indicate insufficient coverage at this position in the ExAC database. This sequence change replaces leucine with proline at codon 33 of the B4GALNT1 protein (p.Leu33Pro). The leucine residue is moderately conserved and there is a moderate physicochemical difference between leucine and proline.

NM_001478.5(B4GALNT1):c.98T>C (p.Leu33Pro)

Gene: B4GALNT1 (beta-1,4-N-acetyl-galactosaminyltransferase 1; minus strand). Cytogenetic location: 12q13.3.
Variant type: single nucleotide variant.
Coding change: c.98T>C on transcript NM_001478.5 (MANE Select); coding-DNA position 98, T replaced by C.
Protein change: p.Leu33Pro; replaces leucine 33 with proline.
Molecular consequence: missense variant.
Genome position (GRCh38, 1-based): chr12:57,632,035, A>G on the plus strand (T>C on the coding strand, the complement: B4GALNT1 is on the minus strand). VCF-style: chr12-57632035-A-G. GRCh37 (hg19) VCF-style: chr12-58025818-A-G.
Other names: c.98T>C, p.Leu33Pro (NM_001276468.2, NM_001276469.2); short protein forms L33P.
Identifiers: ClinVar variation 962322 (VCV000962322.9), dbSNP rs920888983, ClinGen allele CA237793922.
Genomic context (GRCh38, chr12:57,632,035, plus strand): 5'-TCTGGCAGCTCGGGCCTGCGGGGGCTTTGCGGGGGCGCCCACGGCGCAAGAGGTAGCCGG[A>G]GGCCGGGCGCGTCCCGGGTGCTCGCGTACAGGAGCCCCAGCGAGGCGCAGGCGAGCAGAA-3'
Protein context (NP_001469.1, residues 23-43): LYASTRDAPG[Leu33Pro]RLPLAPWAPP